The following is an entry in ClinVar:

NM_007129.5(ZIC2):c.420G>A (p.Gly140=)

Gene: ZIC2 (Zic family zinc finger 2; plus strand). Cytogenetic location: 13q32.3.
Variant type: single nucleotide variant.
Coding change: c.420G>A on transcript NM_007129.5 (MANE Select); coding-DNA position 420, G replaced by A.
Protein change: p.Gly140=; no amino-acid change (glycine 140 retained).
Molecular consequence: synonymous variant.
Genome position (GRCh38, 1-based): chr13:99,982,484, G>A. VCF-style: chr13-99982484-G-A. GRCh37 (hg19) VCF-style: chr13-100634738-G-A.
Identifiers: ClinVar variation 715123 (VCV000715123.12), dbSNP rs747747563, ClinGen allele CA7032802.
Genomic context (GRCh38, chr13:99,982,484, plus strand): 5'-GTTCCGCAGCCGCGGCTTCGGGGACTCGGCGCCGGGCGGCGGGCAGCACGGGCTGTTCGG[G>A]CCGGGCGCGGGCGGCCTGCACCACGCGCACTCGGACGCGCAGGGCCACCTCCTCTTCCCG-3'
Protein context (NP_009060.2, residues 130-150): APGGGQHGLF[Gly140=]PGAGGLHHAH

ClinVar aggregate classification (germline): Likely benign. Review status: criteria provided, multiple submitters, no conflicts (2 of 4 stars). 3 submissions from 3 submitters: Likely benign (2). 1 of the submissions does not count toward it. Last evaluated 2026-06-01.

Conditions:
ZIC2-related disorder. Also called: ZIC2-related condition.
Holoprosencephaly 5 (HPE5). Identifiers: Orphanet 2162, MedGen C1864827, MONDO:0012322, OMIM 609637.

Allele frequency attached by ClinVar (database versions not stated): ExAC below 0.00001; gnomAD 0.00002; TOPMed 0.00003; gnomAD exomes 0.00019.

Submissions (3):

CeGaT Center for Human Genetics Tuebingen
Classification: Likely benign. Last evaluated: 2026-06-01. Review status: criteria provided, single submitter. Criteria: CeGaT Center For Human Genetics Tuebingen Variant Classification Criteria Version 2. Collection method: clinical testing. Allele origin: germline. Affected: yes. Observed: 1 variant allele.
Comment: ZIC2: BP4, BP7

Labcorp Genetics (formerly Invitae), Labcorp
Classification: Likely benign for Holoprosencephaly 5. Last evaluated: 2025-12-10. Review status: criteria provided, single submitter. Criteria: Invitae Variant Classification Sherloc (09022015). Collection method: clinical testing. Allele origin: germline.

PreventionGenetics, part of Exact Sciences
Classification: Likely benign for ZIC2-related condition. Last evaluated: 2019-12-26. Review status: no assertion criteria provided. Collection method: clinical testing. Allele origin: germline. Not counted in ClinVar's aggregate classification.
Comment: This variant is classified as likely benign based on ACMG/AMP sequence variant interpretation guidelines (Richards et al. 2015 PMID: 25741868, with internal and published modifications).